The following is an entry in ClinVar:

NM_177438.3(DICER1):c.3660G>T (p.Gln1220His)

Gene: DICER1 (dicer 1, ribonuclease III; minus strand). Cytogenetic location: 14q32.13.
Variant type: single nucleotide variant.
Coding change: c.3660G>T on transcript NM_177438.3 (MANE Select); coding-DNA position 3660, G replaced by T.
Protein change: p.Gln1220His; replaces glutamine 1220 with histidine.
Molecular consequence: missense variant. On other transcripts: non-coding transcript variant (6).
Genome position (GRCh38, 1-based): chr14:95,103,736, C>A on the plus strand (G>T on the coding strand, the complement: DICER1 is on the minus strand). VCF-style: chr14-95103736-C-A. GRCh37 (hg19) VCF-style: chr14-95570073-C-A.
Other names: c.3660G>T, p.Gln1220His (NM_001195573.1, NM_001271282.3, NM_001291628.2 and 13 more transcripts); c.3378G>T, p.Gln1126His (NM_001395686.1); c.3255G>T, p.Gln1085His (NM_001395687.1, NM_001395688.1, NM_001395689.1 and 2 more transcripts); c.3093G>T, p.Gln1031His (NM_001395691.1); c.1977G>T, p.Gln659His (NM_001395697.1); short protein forms Q1031H, Q1085H, Q1126H, Q1220H, Q659H.
Identifiers: ClinVar variation 3241332 (VCV003241332.3), dbSNP rs878855259.

ClinVar aggregate classification (germline): Uncertain significance. Review status: criteria provided, multiple submitters, no conflicts (2 of 4 stars). 3 submissions from 3 submitters: Uncertain significance (3). Last evaluated 2025-07-28.

Conditions:
Global developmental delay - lung cysts - overgrowth - Wilms tumor syndrome. Also called: GLOBAL DEVELOPMENTAL DELAY, LUNG CYSTS, OVERGROWTH, AND WILMS TUMOR; GLOW Syndrome. Identifiers: Orphanet 404476, MedGen C4748924, MONDO:0018445, OMIM 618272.
Hereditary cancer-predisposing syndrome. Also called: Neoplastic Syndromes, Hereditary; Tumor predisposition; Hereditary neoplastic syndrome; Hereditary Cancer Syndrome. Identifiers: Orphanet 140162, MedGen C0027672, MeSH D009386, MONDO:0015356.

Submissions (3):

Ambry Genetics
Classification: Uncertain significance for Hereditary cancer-predisposing syndrome. Last evaluated: 2025-07-28. Review status: criteria provided, single submitter. Criteria: Ambry Variant Classification Scheme 2023. Collection method: clinical testing. Allele origin: germline.
Comment: The p.Q1220H variant (also known as c.3660G>T), located in coding exon 20 of the DICER1 gene, results from a G to T substitution at nucleotide position 3660. The glutamine at codon 1220 is replaced by histidine, an amino acid with highly similar properties. This amino acid position is conserved. In addition, the in silico prediction for this alteration is inconclusive. Based on the available evidence, the clinical significance of this variant remains unclear.

GeneDx
Classification: Uncertain significance. Last evaluated: 2024-05-05. Review status: criteria provided, single submitter. Criteria: GeneDx Variant Classification Process June 2021. Collection method: clinical testing. Allele origin: germline. Affected: yes.
Comment: Not observed at significant frequency in large population cohorts (gnomAD); In silico analysis indicates that this missense variant does not alter protein structure/function; Has not been previously published as pathogenic or benign to our knowledge

Baylor Genetics
Classification: Uncertain significance for Global developmental delay - lung cysts - overgrowth - Wilms tumor syndrome. Last evaluated: 2023-11-27. Review status: criteria provided, single submitter. Criteria: ACMG Guidelines, 2015. Collection method: clinical testing. Allele origin: unknown.